The following is an entry in ClinVar:

NM_006031.6(PCNT):c.1784C>T (p.Ala595Val)

Gene: PCNT (pericentrin; plus strand). Cytogenetic location: 21q22.3.
Variant type: single nucleotide variant.
Coding change: c.1784C>T on transcript NM_006031.6 (MANE Select); coding-DNA position 1784, C replaced by T.
Protein change: p.Ala595Val; replaces alanine 595 with valine.
Molecular consequence: missense variant.
Genome position (GRCh38, 1-based): chr21:46,355,474, C>T. VCF-style: chr21-46355474-C-T. GRCh37 (hg19) VCF-style: chr21-47775389-C-T.
Other names: c.1430C>T, p.Ala477Val (NM_001315529.2); short protein forms A595V, A477V.
Identifiers: ClinVar variation 340473 (VCV000340473.33), dbSNP rs143028464, ClinGen allele CA10078768.

ClinVar aggregate classification (germline): Likely benign. Review status: criteria provided, multiple submitters, no conflicts (2 of 4 stars). 7 submissions from 7 submitters: Likely benign (6). 1 of the submissions does not count toward it. Last evaluated 2026-01-25.

Conditions:
Microcephalic osteodysplastic primordial dwarfism type II (MOPD2). Also called: OSTEODYSPLASTIC PRIMORDIAL DWARFISM, TYPE II; Microcephalic osteodysplastic primordial dwarfism with tooth abnormalities; MOPD II. Identifiers: Orphanet 2637, MedGen C0432246, MONDO:0008872, OMIM 210720.
PCNT-related disorder. Also called: PCNT-related condition.

Allele frequency attached by ClinVar (database versions not stated): gnomAD exomes 0.00063; ExAC 0.00075; 1000 Genomes Project 30x 0.00094; 1000 Genomes Project 0.00100; ESP Exome Variant Server 0.00200; gnomAD 0.00239 and 0.00265; TOPMed 0.00264.
gnomAD v4.1: 819 of 1,613,992 alleles (0.051%); highest among the groups gnomAD compares: African/African-American, 0.85%; 5 homozygotes.

Submissions (8):

Labcorp Genetics (formerly Invitae), Labcorp
Classification: Likely benign. Last evaluated: 2026-01-25. Review status: criteria provided, single submitter. Criteria: Invitae Variant Classification Sherloc (09022015). Collection method: clinical testing. Allele origin: germline.

CeGaT Center for Human Genetics Tuebingen
Classification: Likely benign. Last evaluated: 2025-03-01. Review status: criteria provided, single submitter. Criteria: CeGaT Center For Human Genetics Tuebingen Variant Classification Criteria Version 2. Collection method: clinical testing. Allele origin: germline. Affected: yes. Observed: 1 variant allele.
Comment: PCNT: BP4

GeneDx
Classification: Likely benign. Last evaluated: 2020-10-22. Review status: criteria provided, single submitter. Criteria: GeneDx Variant Classification Process June 2021. Collection method: clinical testing. Allele origin: germline. Affected: yes.

ARUP Laboratories, Molecular Genetics and Genomics, ARUP Laboratories
Classification: Likely benign for Microcephalic osteodysplastic primordial dwarfism type II. Last evaluated: 2020-04-24. Review status: criteria provided, single submitter. Criteria: ARUP Molecular Germline Variant Investigation Process. Collection method: clinical testing. Allele origin: germline.

Illumina Laboratory Services, Illumina
Classification: Likely benign for Microcephalic osteodysplastic primordial dwarfism type II. Last evaluated: 2018-01-12. Review status: criteria provided, single submitter. Criteria: ICSL Variant Classification Criteria 13 December 2019. Collection method: clinical testing. Allele origin: germline.
Comment: This variant was observed in the ICSL laboratory as part of a predisposition screen in an ostensibly healthy population. It had not been previously curated by ICSL or reported in the Human Gene Mutation Database (HGMD: prior to June 1st, 2018), and was therefore a candidate for classification through an automated scoring system. Utilizing variant allele frequency, disease prevalence and penetrance estimates, and inheritance mode, an automated score was calculated to assess if this variant is too frequent to cause the disease. Based on the score and internal cut-off values, a variant classified as likely benign is not then subjected to further curation. The score for this variant resulted in a classification of likely benign for this disease.

Breakthrough Genomics
Classification: Likely benign. Review status: criteria provided, single submitter. Criteria: ACMG Guidelines, 2015. Collection method: not provided. Allele origin: germline. Inheritance: Autosomal recessive inheritance. Affected: yes.

PreventionGenetics, part of Exact Sciences
Classification: Benign for PCNT-related condition. Last evaluated: 2021-05-26. Review status: no assertion criteria provided. Collection method: clinical testing. Allele origin: germline. Not counted in ClinVar's aggregate classification.
Comment: This variant is classified as benign based on ACMG/AMP sequence variant interpretation guidelines (Richards et al. 2015 PMID: 25741868, with internal and published modifications).

Dr. Peter K. Rogan Lab, Western University
No classification provided (evidence only). Condition: Thymoma. Review status: no classification provided. Collection method: in vitro. Allele origin: not applicable. Functional consequence: retained intron. Not counted in ClinVar's aggregate classification.